The following is an entry in ClinVar:

NM_000038.6(APC):c.3007G>A (p.Asp1003Asn)

Gene: APC (APC regulator of Wnt signaling pathway; plus strand). Cytogenetic location: 5q22.2.
Variant type: single nucleotide variant.
Coding change: c.3007G>A on transcript NM_000038.6 (MANE Select); coding-DNA position 3007, G replaced by A.
Protein change: p.Asp1003Asn; replaces aspartic acid 1003 with asparagine.
Molecular consequence: missense variant.
Genome position (GRCh38, 1-based): chr5:112,838,601, G>A. VCF-style: chr5-112838601-G-A. GRCh37 (hg19) VCF-style: chr5-112174298-G-A.
Other names: c.3007G>A, p.Asp1003Asn (NM_001127510.3, NM_001354895.2); c.2953G>A, p.Asp985Asn (NM_001127511.3); c.3061G>A, p.Asp1021Asn (NM_001354896.2); c.3037G>A, p.Asp1013Asn (NM_001354897.2); c.2932G>A, p.Asp978Asn (NM_001354898.2); c.2923G>A, p.Asp975Asn (NM_001354899.2); c.2884G>A, p.Asp962Asn (NM_001354900.2); c.2830G>A, p.Asp944Asn (NM_001354901.2); and 5 more; short protein forms D1003N, D985N, D912N, D978N, D843N, D1013N, D877N, D902N.
Identifiers: ClinVar variation 133525 (VCV000133525.28), dbSNP rs564314108, ClinGen allele CA007992.

ClinVar aggregate classification (germline): Conflicting classifications of pathogenicity. Review status: criteria provided, conflicting classifications (1 of 4 stars). 11 submissions from 11 submitters: Uncertain significance (3); Likely benign (7). 1 of the submissions does not count toward it. Last evaluated 2025-12-29.

Conditions:
Familial adenomatous polyposis 1 (FAP1). Also called: FAMILIAL ADENOMATOUS POLYPOSIS 1, ATTENUATED; POLYPOSIS, ADENOMATOUS INTESTINAL. Identifiers: MedGen C2713442, MONDO:0021056, OMIM 175100. Disease mechanism: loss of function.
Classic or attenuated familial adenomatous polyposis. Identifiers: MedGen CN372698, MONDO:0021057.
Hereditary cancer-predisposing syndrome. Also called: Tumor predisposition; Hereditary neoplastic syndrome; Neoplastic Syndromes, Hereditary; Hereditary Cancer Syndrome. Identifiers: Orphanet 140162, MedGen C0027672, MeSH D009386, MONDO:0015356.
Desmoid disease, hereditary (DESMD). Also called: FIBROMATOSIS, FAMILIAL INFILTRATIVE. Identifiers: Orphanet 873, MedGen C1851124, OMIM 135290. Disease mechanism: loss of function.

Allele frequency attached by ClinVar (database versions not stated): ExAC 0.00006; gnomAD exomes 0.00007; 1000 Genomes Project 30x 0.00047; gnomAD below 0.00001 and 0.00003; TOPMed below 0.00001; 1000 Genomes Project 0.00060.
gnomAD v4.1: 52 of 1,614,044 alleles (0.0032%); highest among the groups gnomAD compares: South Asian, 0.051%; 1 homozygote.

Submissions (11):

Center for Genomic Medicine, Rigshospitalet, Copenhagen University Hospital
Classification: Likely benign. Last evaluated: 2025-12-29. Review status: criteria provided, single submitter. Criteria: ACMG Guidelines, 2015. Collection method: clinical testing. Allele origin: germline.
Comment: Classification criteria: BS1, BP4

Labcorp Genetics (formerly Invitae), Labcorp
Classification: Likely benign for Familial adenomatous polyposis 1. Last evaluated: 2025-12-15. Review status: criteria provided, single submitter. Criteria: Invitae Variant Classification Sherloc (09022015). Collection method: clinical testing. Allele origin: germline.

Women's Health and Genetics/Laboratory Corporation of America, LabCorp
Classification: Likely benign. Last evaluated: 2024-08-05. Review status: criteria provided, single submitter. Criteria: LabCorp Variant Classification Summary - May 2015. Collection method: clinical testing. Allele origin: germline.
Comment: Variant summary: APC c.3007G>A (p.Asp1003Asn) results in a conservative amino acid change in the encoded protein sequence. Three of five in-silico tools predict a benign effect of the variant on protein function. The variant allele was found at a frequency of 6.8e-05 in 251200 control chromosomes, predominantly at a frequency of 0.00052 within the South Asian subpopulation in the gnomAD database. The observed variant frequency within South Asian control individuals in the gnomAD database is approximately 7.28 fold of the estimated maximal expected allele frequency for a pathogenic variant in APC causing Familial Adenomatous Polyposis phenotype (7.1e-05). c.3007G>A has been reported in the literature in a family affected with breast cancer without cosegregation information (McDonald_2022). This report does not provide unequivocal conclusions about association of the variant with Familial Adenomatous Polyposis. To our knowledge, no experimental evidence demonstrating an impact on protein function has been reported. The following publication has been ascertained in the context of this evaluation (PMID: 36315513). ClinVar contains an entry for this variant (Variation ID: 133525). Based on the evidence outlined above, the variant was classified as likely benign.

Myriad Genetics, Inc.
Classification: Likely benign for Familial adenomatous polyposis 1. Last evaluated: 2024-03-15. Review status: criteria provided, single submitter. Criteria: Myriad Autosomal Dominant, Autosomal Recessive and X-Linked Classification Criteria (2023). Collection method: clinical testing. Allele origin: unknown.
Comment: This variant is considered likely benign. This variant has been observed at a population frequency that is significantly greater than expected given the associated disease prevalence and penetrance.

All of Us Research Program, National Institutes of Health
Classification: Likely benign for Classic or attenuated familial adenomatous polyposis. Last evaluated: 2023-08-15. Review status: criteria provided, single submitter. Criteria: ACMG Guidelines, 2015. Collection method: clinical testing. Allele origin: germline. Inheritance: Autosomal dominant inheritance. Observed: 1 variant allele, 1 heterozygote.
Comment: This missense variant replaces aspartic acid with asparagine at codon 1003 of the APC protein. Computational prediction is inconclusive regarding the impact of this variant on protein structure and function (internally defined REVEL score threshold 0.5 < inconclusive < 0.7, PMID: 27666373). To our knowledge, functional studies have not been reported for this variant. This variant has not been reported in individuals affected with hereditary cancer in the literature. This variant has been identified in 17/251200 chromosomes in the general population by the Genome Aggregation Database (gnomAD). The available evidence is insufficient to determine the role of this variant in disease conclusively. Therefore, this variant is classified as a Variant of Uncertain Significance.

This study involves interpretation of variants in research participants for the purpose of population health screening. Participant phenotype was not available at the time of variant classification. Additional details can be found in publication PMID: 35346344, PMCID: PMC8962531

GeneDx
Classification: Uncertain significance. Last evaluated: 2023-08-01. Review status: criteria provided, single submitter. Criteria: GeneDx Variant Classification Process June 2021. Collection method: clinical testing. Allele origin: germline. Affected: yes.
Comment: In silico analysis supports that this missense variant does not alter protein structure/function; Observed in healthy individuals undergoing whole genome sequencing, as well as individuals with a personal or family history of breast cancer (Bodian et al., 2014; McDonald et al., 2022); This variant is associated with the following publications: (PMID: 25545608, 36315513, 24728327)

Color Diagnostics, LLC DBA Color Health
Classification: Likely benign for Hereditary cancer-predisposing syndrome. Last evaluated: 2023-06-15. Review status: criteria provided, single submitter. Criteria: ACMG Guidelines, 2015. Collection method: clinical testing. Allele origin: germline.

Ambry Genetics
Classification: Likely benign for Hereditary cancer-predisposing syndrome. Last evaluated: 2023-05-23. Review status: criteria provided, single submitter. Criteria: Ambry Variant Classification Scheme 2023. Collection method: clinical testing. Allele origin: germline.

Department of Pathology and Laboratory Medicine, Sinai Health System
Classification: Uncertain significance for Familial adenomatous polyposis 1; Desmoid disease, hereditary. Last evaluated: 2023-05-08. Review status: criteria provided, single submitter. Criteria: ACMG Guidelines, 2015. Collection method: clinical testing. Allele origin: germline. Affected: yes.

Sema4
Classification: Uncertain significance for Hereditary cancer-predisposing syndrome. Last evaluated: 2022-02-15. Review status: criteria provided, single submitter. Criteria: Sema4 Curation Guidelines. Collection method: curation. Allele origin: germline.
Comment: The APC c.3007G>A (p.D1003N) variant has not been reported in the literature to our knowledge. This variant was observed in 16/30616 chromosomes in the South Asian subpopulation, with no homozygotes, in the large and broad cohorts of the Genome Aggregation Database (PMID: 32461654). This variant has been reported in ClinVar (Variation ID: 133525). Functional studies have not been performed, and in silico predictions of the variant's effect on protein function are inconclusive. The evidence is insufficient to meet ACMG/AMP criteria for classifying the variant as benign or pathogenic. Thus, the clinical significance of this variant is currently uncertain.

ITMI
No classification provided. Condition: AllHighlyPenetrant. Last evaluated: 2013-09-19. Review status: no classification provided. Collection method: reference population. Allele origin: germline. Not counted in ClinVar's aggregate classification.
Comment: Please see associated publication for description of ethnicities

Literature cited by the submitters: PubMed 36315513 (cited by Women's Health and Genetics/Laboratory Corporation of America, LabCorp); PubMed 24728327 (cited by ITMI).